The following is an entry in ClinVar:

ClinVar aggregate classification (germline): Pathogenic (1 of 4 stars; one submission).

Submission:

Labcorp Genetics (formerly Invitae), Labcorp
Classification: Pathogenic. Last evaluated: 2024-04-17. Review status: criteria provided, single submitter. Criteria: Invitae Variant Classification Sherloc (09022015). Collection method: clinical testing. Allele origin: germline.
Comment: This sequence change creates a premature translational stop signal (p.Glu119*) in the NOG gene. While this is not anticipated to result in nonsense mediated decay, it is expected to disrupt the last 114 amino acid(s) of the NOG protein. This variant is not present in population databases (gnomAD no frequency). This variant has not been reported in the literature in individuals affected with NOG-related conditions. ClinVar contains an entry for this variant (Variation ID: 1522426). This variant disrupts a region of the NOG protein in which other variant(s) (p.Glu127*) have been determined to be pathogenic (Invitae). This suggests that this is a clinically significant region of the protein, and that variants that disrupt it are likely to be disease-causing. For these reasons, this variant has been classified as Pathogenic.

NM_005450.6(NOG):c.355G>T (p.Glu119Ter)

Gene: NOG (noggin; plus strand). Cytogenetic location: 17q22.
Variant type: single nucleotide variant.
Coding change: c.355G>T on transcript NM_005450.6 (MANE Select); coding-DNA position 355, G replaced by T.
Protein change: p.Glu119Ter; replaces glutamic acid 119 with a stop codon.
Molecular consequence: nonsense.
Genome position (GRCh38, 1-based): chr17:56,594,578, G>T. VCF-style: chr17-56594578-G-T. GRCh37 (hg19) VCF-style: chr17-54671939-G-T.
Other names: short protein forms E119*.
Identifiers: ClinVar variation 1522426 (VCV001522426.6), dbSNP rs2052469986, ClinGen allele CA399965874.